The following is an entry in ClinVar:

ClinVar aggregate classification (germline): Uncertain significance. Review status: criteria provided, multiple submitters, no conflicts (2 of 4 stars). 3 submissions from 3 submitters: Uncertain significance (3). Last evaluated 2025-09-09.

Conditions:
Cardiovascular phenotype. Identifiers: MedGen CN230736.
Long QT syndrome (LQTS). Identifiers: MedGen C0023976, MeSH D008133, MONDO:0002442. Disease mechanism: loss of function. Inheritance: Various modes of inheritance.

gnomAD v4.1: 9 of 1,597,760 alleles (0.00056%); highest among the groups gnomAD compares: African/African-American, 0.004%; no homozygotes.

Submissions (3):

Labcorp Genetics (formerly Invitae), Labcorp
Classification: Uncertain significance for Long QT syndrome. Last evaluated: 2025-09-09. Review status: criteria provided, single submitter. Criteria: Invitae Variant Classification Sherloc (09022015). Collection method: clinical testing. Allele origin: germline.
Comment: This sequence change replaces proline, which is neutral and non-polar, with glutamine, which is neutral and polar, at codon 99 of the KCNQ1 protein (p.Pro99Gln). The frequency data for this variant in the population databases is considered unreliable, as metrics indicate poor data quality at this position in the gnomAD database. This variant has not been reported in the literature in individuals affected with KCNQ1-related conditions. ClinVar contains an entry for this variant (Variation ID: 1367809). Invitae Evidence Modeling of protein sequence and biophysical properties (such as structural, functional, and spatial information, amino acid conservation, physicochemical variation, residue mobility, and thermodynamic stability) has been performed for this missense variant. However, the output from this modeling did not meet the statistical confidence thresholds required to predict the impact of this variant on KCNQ1 protein function. In summary, the available evidence is currently insufficient to determine the role of this variant in disease. Therefore, it has been classified as a Variant of Uncertain Significance.

Molecular Diagnostic Laboratory for Inherited Cardiovascular Disease, Montreal Heart Institute
Classification: Uncertain significance for Cardiovascular phenotype. Last evaluated: 2025-04-09. Review status: criteria provided, single submitter. Criteria: ACMG Guidelines, 2015. Collection method: clinical testing. Allele origin: germline. Affected: yes.
Comment: PM2, PM1_supp, PP2, PP3

AiLife Diagnostics
Classification: Uncertain significance. Last evaluated: 2021-11-02. Review status: criteria provided, single submitter. Criteria: ACMG Guidelines, 2015. Collection method: clinical testing. Allele origin: germline. Affected: yes. Observed: 2 variant alleles.

NM_000218.3(KCNQ1):c.296C>A (p.Pro99Gln)

Gene: KCNQ1 (potassium voltage-gated channel subfamily Q member 1; plus strand). Cytogenetic location: 11p15.5.
Variant type: single nucleotide variant.
Coding change: c.296C>A on transcript NM_000218.3 (MANE Select); coding-DNA position 296, C replaced by A.
Protein change: p.Pro99Gln; replaces proline 99 with glutamine.
Molecular consequence: missense variant.
Genome position (GRCh38, 1-based): chr11:2,445,394, C>A. VCF-style: chr11-2445394-C-A. GRCh37 (hg19) VCF-style: chr11-2466624-C-A.
Other names: c.296C>A (NM_000218.2); short protein forms P99Q.
Identifiers: ClinVar variation 1367809 (VCV001367809.8), dbSNP rs370435862, ClinGen allele CA379117309.